The following is an entry in ClinVar:

ClinVar aggregate classification (germline): Uncertain significance (1 of 4 stars; one submission).

Conditions:
Alstrom syndrome (ALMS). Identifiers: Orphanet 64, MedGen C0268425, MONDO:0008763, OMIM 203800.

Submission:

Labcorp Genetics (formerly Invitae), Labcorp
Classification: Uncertain significance for Alstrom syndrome. Last evaluated: 2018-08-30. Review status: criteria provided, single submitter. Criteria: Invitae Variant Classification Sherloc (09022015). Collection method: clinical testing. Allele origin: germline.
Comment: This sequence change falls in intron 3 of the ALMS1 gene. It does not directly change the encoded amino acid sequence of the ALMS1 protein, but it affects a nucleotide within the consensus splice site of the intron. This variant is not present in population databases (ExAC no frequency). This variant has not been reported in the literature in individuals with ALMS1-related disease. ClinVar contains an entry for this variant (Variation ID: 529406). Nucleotide substitutions within the consensus splice site are a relatively common cause of aberrant splicing (PMID: 17576681, 9536098). Algorithms developed to predict the effect of sequence changes on RNA splicing suggest that this variant may disrupt the consensus splice site, but this prediction has not been confirmed by published transcriptional studies. In summary, the available evidence is currently insufficient to determine the role of this variant in disease. Therefore, it has been classified as a Variant of Uncertain Significance.

Literature cited by the submitters: PubMed 17576681; PubMed 9536098.

NM_001378454.1(ALMS1):c.646+3A>G

Gene: ALMS1 (ALMS1 centrosome and basal body associated protein; plus strand). Cytogenetic location: 2p13.1.
Variant type: single nucleotide variant.
Coding change: c.646+3A>G on transcript NM_001378454.1 (MANE Select); 3 bases into the intron after coding-DNA position 646, A replaced by G.
Molecular consequence: intron variant.
Genome position (GRCh38, 1-based): chr2:73,419,321, A>G. VCF-style: chr2-73419321-A-G. GRCh37 (hg19) VCF-style: chr2-73646449-A-G.
Other names: c.649+3A>G (NM_015120.4); c.646+3A>G (NM_015120.4).
Identifiers: ClinVar variation 529406 (VCV000529406.6), dbSNP rs1553399994, ClinGen allele CA658795818.